The following is an entry in ClinVar:

ClinVar aggregate classification (germline): Uncertain significance. Review status: criteria provided, multiple submitters, no conflicts (2 of 4 stars). 2 submissions from 2 submitters: Uncertain significance (2). Last evaluated 2025-03-26.

Allele frequency attached by ClinVar (database versions not stated): TOPMed 0.00001.

Submissions (2):

Labcorp Genetics (formerly Invitae), Labcorp
Classification: Uncertain significance. Last evaluated: 2025-03-26. Review status: criteria provided, single submitter. Criteria: Invitae Variant Classification Sherloc (09022015). Collection method: clinical testing. Allele origin: germline.
Comment: This sequence change replaces glycine, which is neutral and non-polar, with arginine, which is basic and polar, at codon 283 of the MYLK3 protein (p.Gly283Arg). This variant is not present in population databases (gnomAD no frequency). This variant has not been reported in the literature in individuals affected with MYLK3-related conditions. ClinVar contains an entry for this variant (Variation ID: 1364745). An algorithm developed to predict the effect of missense changes on protein structure and function (PolyPhen-2) suggests that this variant is likely to be tolerated. In summary, the available evidence is currently insufficient to determine the role of this variant in disease. Therefore, it has been classified as a Variant of Uncertain Significance.

Ambry Genetics
Classification: Uncertain significance. Last evaluated: 2024-10-09. Review status: criteria provided, single submitter. Criteria: Ambry Variant Classification Scheme 2023. Collection method: clinical testing. Allele origin: germline.

NM_182493.3(MYLK3):c.847G>C (p.Gly283Arg)

Gene: MYLK3 (myosin light chain kinase 3; minus strand). Cytogenetic location: 16q11.2.
Variant type: single nucleotide variant.
Coding change: c.847G>C on transcript NM_182493.3 (MANE Select); coding-DNA position 847, G replaced by C.
Protein change: p.Gly283Arg; replaces glycine 283 with arginine.
Molecular consequence: missense variant. On other transcripts: intron variant (1).
Genome position (GRCh38, 1-based): chr16:46,737,865, C>G on the plus strand (G>C on the coding strand, the complement: MYLK3 is on the minus strand). VCF-style: chr16-46737865-C-G. GRCh37 (hg19) VCF-style: chr16-46771777-C-G.
Other names: c.-23+2192G>C (NM_001308301.1); c.847G>C (NM_182493.2); short protein forms G283R.
Identifiers: ClinVar variation 1364745 (VCV001364745.9), dbSNP rs1966877546, ClinGen allele CA395794111.